The following is an entry in ClinVar:

NM_000283.4(PDE6B):c.125C>T (p.Pro42Leu)

Gene: PDE6B (phosphodiesterase 6B; plus strand). Cytogenetic location: 4p16.3.
Variant type: single nucleotide variant.
Coding change: c.125C>T on transcript NM_000283.4 (MANE Select); coding-DNA position 125, C replaced by T.
Protein change: p.Pro42Leu; replaces proline 42 with leucine.
Molecular consequence: missense variant.
Genome position (GRCh38, 1-based): chr4:625,751, C>T. VCF-style: chr4-625751-C-T. GRCh37 (hg19) VCF-style: chr4-619540-C-T.
Other names: c.125C>T (NM_000283.3); c.125C>T, p.Pro42Leu (NM_001145291.2); short protein forms P42L.
Identifiers: ClinVar variation 1939794 (VCV001939794.7), dbSNP rs751741141, ClinGen allele CA2793849.
Genomic context (GRCh38, chr4:625,751, plus strand): 5'-ACTTTGGGAAGAAACTGAGCCCTGAGAATGTGGCCGCGGCCTGCGAGGACGGGTGCCCGC[C>T]GGACTGCGACAGCCTCCGGGACCTCTGCCAGGTGGAGGAGAGCACGGCGCTGCTGGAGCT-3'
Protein context (NP_000274.3, residues 32-52): VAAACEDGCP[Pro42Leu]DCDSLRDLCQ

ClinVar aggregate classification (germline): Uncertain significance. Review status: criteria provided, multiple submitters, no conflicts (2 of 4 stars). 2 submissions from 2 submitters: Uncertain significance (2). Last evaluated 2025-06-09.

Conditions:
Inborn genetic diseases. Identifiers: MedGen C0950123, MeSH D030342.

Allele frequency attached by ClinVar (database versions not stated): gnomAD 0.00001; gnomAD exomes 0.00001; TOPMed 0.00001; ExAC 0.00002.

Submissions (2):

Labcorp Genetics (formerly Invitae), Labcorp
Classification: Uncertain significance. Last evaluated: 2025-06-09. Review status: criteria provided, single submitter. Criteria: Invitae Variant Classification Sherloc (09022015). Collection method: clinical testing. Allele origin: germline.
Comment: This sequence change replaces proline, which is neutral and non-polar, with leucine, which is neutral and non-polar, at codon 42 of the PDE6B protein (p.Pro42Leu). This variant is present in population databases (rs751741141, gnomAD 0.003%). This variant has not been reported in the literature in individuals affected with PDE6B-related conditions. ClinVar contains an entry for this variant (Variation ID: 1939794). Invitae Evidence Modeling of protein sequence and biophysical properties (such as structural, functional, and spatial information, amino acid conservation, physicochemical variation, residue mobility, and thermodynamic stability) indicates that this missense variant is not expected to disrupt PDE6B protein function with a negative predictive value of 95%. In summary, the available evidence is currently insufficient to determine the role of this variant in disease. Therefore, it has been classified as a Variant of Uncertain Significance.

Ambry Genetics
Classification: Uncertain significance for Inborn genetic diseases. Last evaluated: 2023-08-08. Review status: criteria provided, single submitter. Criteria: Ambry Variant Classification Scheme 2023. Collection method: clinical testing. Allele origin: germline.